The following is an entry in ClinVar:

NM_001039469.3(MARK2):c.239C>T (p.Ala80Val)

Gene: MARK2 (microtubule affinity regulating kinase 2; plus strand). Cytogenetic location: 11q13.1.
Variant type: single nucleotide variant.
Coding change: c.239C>T on transcript NM_001039469.3 (MANE Select); coding-DNA position 239, C replaced by T.
Protein change: p.Ala80Val; replaces alanine 80 with valine.
Molecular consequence: missense variant.
Genome position (GRCh38, 1-based): chr11:63,895,584, C>T. VCF-style: chr11-63895584-C-T. GRCh37 (hg19) VCF-style: chr11-63663056-C-T.
Other names: c.239C>T, p.Ala80Val (NM_001163296.2, NM_001163297.2, NM_004954.5); c.140C>T, p.Ala47Val (NM_017490.4); short protein forms A47V, A80V.
Identifiers: ClinVar variation 3253643 (VCV003253643.3), dbSNP rs2539306253.

ClinVar aggregate classification (germline): Pathogenic/Likely pathogenic. Review status: no assertion criteria provided (0 of 4 stars). 2 submissions from 2 submitters: Pathogenic (1); Likely pathogenic (1). Last evaluated 2025-07-25.

Conditions:
Autism spectrum disorder. Also called: Autism spectrum disorders. Identifiers: MedGen C1510586, MeSH D000067877, MONDO:0005258.
Intellectual developmental disorder, autosomal dominant 76. Identifiers: MedGen C6012756, MONDO:0979575, OMIM 621285.

Submissions (2):

OMIM
Classification: Pathogenic for INTELLECTUAL DEVELOPMENTAL DISORDER, AUTOSOMAL DOMINANT 76. Last evaluated: 2025-07-25. Review status: no assertion criteria provided. Collection method: literature only. Allele origin: germline.

Department of Medical Genetics, Capital Institute of Pediatrics
Classification: Likely pathogenic for Autism Spectrum Disorder. Last evaluated: 2024-07-03. Review status: no assertion criteria provided. Collection method: research. Allele origin: de novo. Affected: yes.
Comment: PM2_Supporting+PS2

Literature cited by the submitters: PubMed 39419027 (cited by OMIM and Department of Medical Genetics, Capital Institute of Pediatrics).